The following is an entry in ClinVar:

ClinVar aggregate classification (germline): Uncertain significance. Review status: criteria provided, multiple submitters, no conflicts (2 of 4 stars). 3 submissions from 3 submitters: Uncertain significance (3). Last evaluated 2026-01-20.

Conditions:
Hereditary cancer-predisposing syndrome. Also called: Tumor predisposition; Hereditary Cancer Syndrome; Hereditary neoplastic syndrome; Neoplastic Syndromes, Hereditary. Identifiers: Orphanet 140162, MedGen C0027672, MeSH D009386, MONDO:0015356.
EGFR-related lung cancer (EGFR). Identifiers: MedGen CN130014.

Allele frequency attached by ClinVar (database versions not stated): gnomAD exomes below 0.00001; TOPMed 0.00001.
gnomAD v4.1: 2 of 1,614,098 alleles (0.00012%); highest among the groups gnomAD compares: African/African-American, 0.0013%; no homozygotes.

Submissions (3):

Ambry Genetics
Classification: Uncertain significance for Hereditary cancer-predisposing syndrome. Last evaluated: 2026-01-20. Review status: criteria provided, single submitter. Criteria: Ambry Variant Classification Scheme 2023. Collection method: clinical testing. Allele origin: germline.
Comment: The p.I878V variant (also known as c.2632A>G), located in coding exon 22 of the EGFR gene, results from an A to G substitution at nucleotide position 2632. The isoleucine at codon 878 is replaced by valine, an amino acid with highly similar properties. This amino acid position is highly conserved in available vertebrate species. In addition, the in silico prediction for this alteration is inconclusive. Based on the available evidence, the clinical significance of this variant remains unclear.

Labcorp Genetics (formerly Invitae), Labcorp
Classification: Uncertain significance for EGFR-related lung cancer. Last evaluated: 2023-07-25. Review status: criteria provided, single submitter. Criteria: Invitae Variant Classification Sherloc (09022015). Collection method: clinical testing. Allele origin: germline.
Comment: In summary, the available evidence is currently insufficient to determine the role of this variant in disease. Therefore, it has been classified as a Variant of Uncertain Significance. Advanced modeling of protein sequence and biophysical properties (such as structural, functional, and spatial information, amino acid conservation, physicochemical variation, residue mobility, and thermodynamic stability) performed at Invitae indicates that this missense variant is not expected to disrupt EGFR protein function. ClinVar contains an entry for this variant (Variation ID: 1692871). This variant has not been reported in the literature in individuals affected with EGFR-related conditions. This variant is not present in population databases (gnomAD no frequency). This sequence change replaces isoleucine, which is neutral and non-polar, with valine, which is neutral and non-polar, at codon 878 of the EGFR protein (p.Ile878Val).

Sema4
Classification: Uncertain significance for Hereditary cancer-predisposing syndrome. Last evaluated: 2021-04-06. Review status: criteria provided, single submitter. Criteria: Sema4 Curation Guidelines. Collection method: curation. Allele origin: germline.
Comment: The EGFR c.2632A>G (p.I878V) variant has not been reported in the literature to our knowledge. This variant was not observed in the large and broad populations by the Genome Aggregation Database (PMID: 32461654). The variant has not been reported in Clinvar. In silico tools suggest the impact of the variant on protein function is inconclusive, though these predictions have not been confirmed by functional studies. The overall evidence is insufficient to meet ACMG/AMP criteria for classifying it as benign or pathogenic. In summary, the clinical significance of this variant is currently uncertain.

NM_005228.5(EGFR):c.2632A>G (p.Ile878Val)

Gene: EGFR (epidermal growth factor receptor; plus strand). Cytogenetic location: 7p11.2.
Variant type: single nucleotide variant.
Coding change: c.2632A>G on transcript NM_005228.5 (MANE Select); coding-DNA position 2632, A replaced by G.
Protein change: p.Ile878Val; replaces isoleucine 878 with valine.
Molecular consequence: missense variant.
Genome position (GRCh38, 1-based): chr7:55,192,772, A>G. VCF-style: chr7-55192772-A-G. GRCh37 (hg19) VCF-style: chr7-55260465-A-G.
Other names: c.2497A>G, p.Ile833Val (NM_001346897.2, NM_001346899.2); c.2632A>G, p.Ile878Val (NM_001346898.2); c.2473A>G, p.Ile825Val (NM_001346900.2); c.1831A>G, p.Ile611Val (NM_001346941.2); short protein forms I611V, I825V, I833V, I878V.
Identifiers: ClinVar variation 1692871 (VCV001692871.6), dbSNP rs1787456557, ClinGen allele CA367580711.